The following is an entry in ClinVar:

ClinVar aggregate classification (germline): Uncertain significance. Review status: criteria provided, multiple submitters, no conflicts (2 of 4 stars). 2 submissions from 2 submitters: Uncertain significance (2). Last evaluated 2025-03-17.

Conditions:
Retinitis pigmentosa 73 (RP73). Identifiers: Orphanet 791, MedGen C4225287, MONDO:0014687, OMIM 616544.
Mucopolysaccharidosis, MPS-III-C (MPS3C). Also called: SANFILIPPO SYNDROME C; MPS III C; Mucopolysaccharidosis type IIIC (Sanfilippo C); MUCOPOLYSACCHARIDOSIS, TYPE IIIC; mucopolysaccharidosis type 3C; MPS IIIC (Sanfilippo Syndrome Type C). Identifiers: Orphanet 581, Orphanet 79271, MedGen C0086649, MONDO:0009657, OMIM 252930.

Submissions (2):

Labcorp Genetics (formerly Invitae), Labcorp
Classification: Uncertain significance for Retinitis pigmentosa 73; Mucopolysaccharidosis, MPS-III-C. Last evaluated: 2025-03-17. Review status: criteria provided, single submitter. Criteria: Invitae Variant Classification Sherloc (09022015). Collection method: clinical testing. Allele origin: germline.
Comment: This variant, c.1356_1358del, results in the deletion of 1 amino acid(s) of the HGSNAT protein (p.Tyr453del), but otherwise preserves the integrity of the reading frame. This variant is not present in population databases (gnomAD no frequency). This variant has not been reported in the literature in individuals affected with HGSNAT-related conditions. ClinVar contains an entry for this variant (Variation ID: 1992069). Experimental studies and prediction algorithms are not available or were not evaluated, and the functional significance of this variant is currently unknown. In summary, the available evidence is currently insufficient to determine the role of this variant in disease. Therefore, it has been classified as a Variant of Uncertain Significance.

Blueprint Genetics
Classification: Uncertain significance. Last evaluated: 2018-12-28. Review status: criteria provided, single submitter. Criteria: ACMG Guidelines, 2015. Collection method: clinical testing. Allele origin: germline.

NM_152419.3(HGSNAT):c.1356_1358del (p.Tyr453del)

Gene: HGSNAT (heparan-alpha-glucosaminide N-acetyltransferase; plus strand). Cytogenetic location: 8p11.21.
Variant type: Deletion.
Coding change: c.1356_1358del on transcript NM_152419.3 (MANE Select); coding-DNA positions 1356 to 1358, 3 bases deleted (TTA; older notation c.1356_1358delTTA).
Protein change: p.Tyr453del; deletes tyrosine 453.
Molecular consequence: inframe deletion.
Genome position (GRCh38, 1-based): chr8:43,192,409-43,192,411, TTA deleted. VCF-style (leftmost placement, unchanged base first): chr8-43192408-TTTA-T. GRCh37 (hg19) VCF-style: chr8-43047551-TTTA-T.
Other names: c.1356_1358del, p.Tyr453del (NM_001363227.2); c.1164_1166del, p.Tyr389del (NM_001363228.2); c.492_494del, p.Tyr165del (NM_001363229.2); short protein forms Y389del, Y453del, Y165del.
Identifiers: ClinVar variation 1992069 (VCV001992069.4), dbSNP rs2487089660, ClinGen allele CA2580078505.
Genomic context (GRCh38, chr8:43,192,408, plus strand): 5'-CAAATTGCACTGGAGGAGCTGCAGGCTACATCGACCGCCTGCTGCTGGGAGACGATCACC[TTTA>T]CCAGCACCCATCTTCTGCTGTGAGTGAGACTCGAGTTCGCTTAGAACTGGAACTCAGGCT-3'